The following is an entry in ClinVar:

ClinVar aggregate classification (germline): Uncertain significance (1 of 4 stars; one submission).

Submission:

Labcorp Genetics (formerly Invitae), Labcorp
Classification: Uncertain significance. Last evaluated: 2022-04-19. Review status: criteria provided, single submitter. Criteria: Invitae Variant Classification Sherloc (09022015). Collection method: clinical testing. Allele origin: germline.
Comment: This variant, c.5452_5478dup, results in the insertion of 9 amino acid(s) of the LAMA5 protein (p.Pro1818_Ser1826dup), but otherwise preserves the integrity of the reading frame. This variant is present in population databases (rs765007358, gnomAD 0.01%). This variant has not been reported in the literature in individuals affected with LAMA5-related conditions. Experimental studies and prediction algorithms are not available or were not evaluated, and the functional significance of this variant is currently unknown. In summary, the available evidence is currently insufficient to determine the role of this variant in disease. Therefore, it has been classified as a Variant of Uncertain Significance.

NM_005560.6(LAMA5):c.5452_5478dup (p.Ser1826_Asn1827insProAlaGlyGlnGlyAlaLeuAlaSer)

Gene: LAMA5 (laminin subunit alpha 5; minus strand). Cytogenetic location: 20q13.33.
Variant type: Duplication.
Coding change: c.5452_5478dup on transcript NM_005560.6 (MANE Select); coding-DNA positions 5452 to 5478, 27 bases duplicated (CCAGCAGGCCAGGGGGCCCTGGCCAGC).
Protein change: p.Ser1826_Asn1827insProAlaGlyGlnGlyAlaLeuAlaSer.
Molecular consequence: inframe insertion.
Genome position (GRCh38, 1-based): chr20:62,325,367-62,325,393, GCTGGCCAGGGCCCCCTGGCCTGCTGG duplicated on the plus strand (CCAGCAGGCCAGGGGGCCCTGGCCAGC on the coding strand, the reverse complement: LAMA5 is on the minus strand); duplicating any 27 consecutive bases within chr20:62,325,367-62,325,401 gives the same sequence; the c. name uses the placement nearest the transcript's 3' end. VCF-style (leftmost placement, unchanged base first): chr20-62325366-T-TGCTGGCCAGGGCCCCCTGGCCTGCTGG. GRCh37 (hg19) VCF-style: chr20-60900422-T-TGCTGGCCAGGGCCCCCTGGCCTGCTGG.
Identifiers: ClinVar variation 2167507 (VCV002167507.2), dbSNP rs765007358, ClinGen allele CA9942191.